The following is an entry in ClinVar:

ClinVar aggregate classification (germline): Conflicting classifications of pathogenicity. Review status: criteria provided, conflicting classifications (1 of 4 stars). 2 submissions from 2 submitters: Uncertain significance (1); Likely benign (1). Last evaluated 2024-01-05.

Conditions:
Mitochondrial complex II deficiency, nuclear type 1. Also called: SUCCINATE CoQ REDUCTASE DEFICIENCY. Identifiers: Orphanet 3208, MedGen C5700310, MONDO:0100294, OMIM 252011.
Pheochromocytoma/paraganglioma syndrome 5. Also called: Paragangliomas 5; SDHA-Related Hereditary Paraganglioma-Pheochromocytoma Syndrome. Identifiers: Orphanet 29072, MedGen C3279992, MONDO:0013602, OMIM 614165.
Hereditary cancer-predisposing syndrome. Also called: Neoplastic Syndromes, Hereditary; Tumor predisposition; Hereditary neoplastic syndrome; Hereditary Cancer Syndrome. Identifiers: Orphanet 140162, MedGen C0027672, MeSH D009386, MONDO:0015356.

Allele frequency attached by ClinVar (database versions not stated): gnomAD exomes 0.00001.
gnomAD v4.1: 8 of 1,442,212 alleles (0.00055%); highest among the groups gnomAD compares: Non-Finnish European, 0.00072%; no homozygotes.

Submissions (2):

Labcorp Genetics (formerly Invitae), Labcorp
Classification: Uncertain significance for Pheochromocytoma/paraganglioma syndrome 5; Mitochondrial complex II deficiency, nuclear type 1. Last evaluated: 2024-01-05. Review status: criteria provided, single submitter. Criteria: Invitae Variant Classification Sherloc (09022015). Collection method: clinical testing. Allele origin: germline.
Comment: This sequence change replaces alanine, which is neutral and non-polar, with threonine, which is neutral and polar, at codon 19 of the SDHA protein (p.Ala19Thr). This variant is not present in population databases (gnomAD no frequency). This variant has not been reported in the literature in individuals affected with SDHA-related conditions. ClinVar contains an entry for this variant (Variation ID: 574760). Advanced modeling of protein sequence and biophysical properties (such as structural, functional, and spatial information, amino acid conservation, physicochemical variation, residue mobility, and thermodynamic stability) performed at Invitae indicates that this missense variant is not expected to disrupt SDHA protein function with a negative predictive value of 95%. In summary, the available evidence is currently insufficient to determine the role of this variant in disease. Therefore, it has been classified as a Variant of Uncertain Significance.

Ambry Genetics
Classification: Likely benign for Hereditary cancer-predisposing syndrome. Last evaluated: 2022-05-27. Review status: criteria provided, single submitter. Criteria: Ambry Variant Classification Scheme 2023. Collection method: clinical testing. Allele origin: germline.

NM_004168.4(SDHA):c.55G>A (p.Ala19Thr)

Gene: SDHA (succinate dehydrogenase complex flavoprotein subunit A; plus strand). Cytogenetic location: 5p15.33.
Variant type: single nucleotide variant.
Coding change: c.55G>A on transcript NM_004168.4 (MANE Select); coding-DNA position 55, G replaced by A.
Protein change: p.Ala19Thr; replaces alanine 19 with threonine.
Molecular consequence: missense variant.
Genome position (GRCh38, 1-based): chr5:218,410, G>A. VCF-style: chr5-218410-G-A. GRCh37 (hg19) VCF-style: chr5-218525-G-A.
Other names: c.55G>A, p.Ala19Thr (NM_001294332.2, NM_001330758.2); short protein forms A19T.
Identifiers: ClinVar variation 574760 (VCV000574760.11), dbSNP rs1560980986, ClinGen allele CA359007432.